The following is an entry in ClinVar:

NM_024577.4(SH3TC2):c.2285T>C (p.Ile762Thr)

Gene: SH3TC2 (SH3 domain and tetratricopeptide repeats 2; minus strand). Cytogenetic location: 5q32.
Variant type: single nucleotide variant.
Coding change: c.2285T>C on transcript NM_024577.4 (MANE Select); coding-DNA position 2285, T replaced by C.
Protein change: p.Ile762Thr; replaces isoleucine 762 with threonine.
Molecular consequence: missense variant.
Genome position (GRCh38, 1-based): chr5:149,027,447, A>G on the plus strand (T>C on the coding strand, the complement: SH3TC2 is on the minus strand). VCF-style: chr5-149027447-A-G. GRCh37 (hg19) VCF-style: chr5-148407010-A-G.
Other names: short protein forms I762T.
Identifiers: ClinVar variation 476896 (VCV000476896.9), dbSNP rs751351645, ClinGen allele CA3499032.

ClinVar aggregate classification (germline): Uncertain significance. Review status: criteria provided, multiple submitters, no conflicts (2 of 4 stars). 3 submissions from 3 submitters: Uncertain significance (3). Last evaluated 2024-11-13.

Conditions:
Charcot-Marie-Tooth disease type 4. Also called: Charcot-Marie-Tooth, Type 4; Charcot-Marie-Tooth disease, type IV. Identifiers: Orphanet 64749, MedGen C4082197, MONDO:0018995.
Inborn genetic diseases. Identifiers: MedGen C0950123, MeSH D030342.

Allele frequency attached by ClinVar (database versions not stated): ExAC 0.00001; TOPMed 0.00001.
gnomAD v4.1: 22 of 1,614,158 alleles (0.0014%); highest among the groups gnomAD compares: Non-Finnish European, 0.0018%; no homozygotes.

Submissions (3):

Blueprint Genetics
Classification: Uncertain significance. Last evaluated: 2024-11-13. Review status: criteria provided, single submitter. Criteria: ACMG Guidelines, 2015. Collection method: clinical testing. Allele origin: germline.

Ambry Genetics
Classification: Uncertain significance for Inborn genetic diseases. Last evaluated: 2022-05-03. Review status: criteria provided, single submitter. Criteria: Ambry Variant Classification Scheme 2023. Collection method: clinical testing. Allele origin: germline.
Comment: The p.I762T variant (also known as c.2285T>C), located in coding exon 11 of the SH3TC2 gene, results from a T to C substitution at nucleotide position 2285. The isoleucine at codon 762 is replaced by threonine, an amino acid with similar properties. This amino acid position is conserved. In addition, this alteration is predicted to be tolerated by in silico analysis. Since supporting evidence is limited at this time, the clinical significance of this alteration remains unclear.

Labcorp Genetics (formerly Invitae), Labcorp
Classification: Uncertain significance for Charcot-Marie-Tooth disease type 4. Last evaluated: 2022-04-12. Review status: criteria provided, single submitter. Criteria: Invitae Variant Classification Sherloc (09022015). Collection method: clinical testing. Allele origin: germline.
Comment: This sequence change replaces isoleucine, which is neutral and non-polar, with threonine, which is neutral and polar, at codon 762 of the SH3TC2 protein (p.Ile762Thr). This variant is present in population databases (rs751351645, gnomAD 0.004%). This variant has not been reported in the literature in individuals affected with SH3TC2-related conditions. ClinVar contains an entry for this variant (Variation ID: 476896). Advanced modeling of protein sequence and biophysical properties (such as structural, functional, and spatial information, amino acid conservation, physicochemical variation, residue mobility, and thermodynamic stability) performed at Invitae indicates that this missense variant is not expected to disrupt SH3TC2 protein function. In summary, the available evidence is currently insufficient to determine the role of this variant in disease. Therefore, it has been classified as a Variant of Uncertain Significance.